The following is an entry in ClinVar:

NM_001378120.1(MBD5):c.4215T>C (p.His1405=)

Gene: MBD5 (methyl-CpG binding domain protein 5; plus strand). Cytogenetic location: 2q23.1.
Variant type: single nucleotide variant.
Coding change: c.4215T>C on transcript NM_001378120.1 (MANE Select); coding-DNA position 4215, T replaced by C.
Protein change: p.His1405=; no amino-acid change (histidine 1405 retained).
Molecular consequence: synonymous variant.
Genome position (GRCh38, 1-based): chr2:148,489,847, T>C. VCF-style: chr2-148489847-T-C. GRCh37 (hg19) VCF-style: chr2-149247416-T-C.
Other names: c.3516T>C, p.His1172= (NM_018328.5).
Identifiers: ClinVar variation 1115176 (VCV001115176.14), dbSNP rs768977000, ClinGen allele CA1900397.

ClinVar aggregate classification (germline): Likely benign. Review status: criteria provided, multiple submitters, no conflicts (2 of 4 stars). 3 submissions from 3 submitters: Likely benign (3). Last evaluated 2026-02-01.

Conditions:
Intellectual developmental disorder, autosomal dominant 1. Also called: Intellectual disability, autosomal dominant 1; MBD5 Haploinsufficiency. Identifiers: Orphanet 228402, MedGen C1969562, MONDO:0007974, OMIM 156200.

Allele frequency attached by ClinVar (database versions not stated): gnomAD exomes below 0.00001 and 0.00002; gnomAD 0.00003; TOPMed 0.00001; ExAC 0.00001.
gnomAD v4.1: 38 of 1,613,562 alleles (0.0024%); highest among the groups gnomAD compares: Non-Finnish European, 0.0031%; no homozygotes.

Submissions (3):

CeGaT Center for Human Genetics Tuebingen
Classification: Likely benign. Last evaluated: 2026-02-01. Review status: criteria provided, single submitter. Criteria: CeGaT Center For Human Genetics Tuebingen Variant Classification Criteria Version 2. Collection method: clinical testing. Allele origin: germline. Affected: yes. Observed: 1 variant allele.
Comment: MBD5: BP4, BP7

Labcorp Genetics (formerly Invitae), Labcorp
Classification: Likely benign for Intellectual developmental disorder, autosomal dominant 1. Last evaluated: 2025-10-23. Review status: criteria provided, single submitter. Criteria: Invitae Variant Classification Sherloc (09022015). Collection method: clinical testing. Allele origin: germline.

Blueprint Genetics
Classification: Likely benign. Last evaluated: 2023-07-24. Review status: criteria provided, single submitter. Criteria: ACMG Guidelines, 2015. Collection method: clinical testing. Allele origin: germline.